The following is an entry in ClinVar:

NM_057175.5(NAA15):c.98G>A (p.Cys33Tyr)

Gene: NAA15 (N-alpha-acetyltransferase 15, NatA auxiliary subunit; plus strand). Cytogenetic location: 4q31.1.
Variant type: single nucleotide variant.
Coding change: c.98G>A on transcript NM_057175.5 (MANE Select); coding-DNA position 98, G replaced by A.
Protein change: p.Cys33Tyr; replaces cysteine 33 with tyrosine.
Molecular consequence: missense variant.
Genome position (GRCh38, 1-based): chr4:139,334,217, G>A. VCF-style: chr4-139334217-G-A. GRCh37 (hg19) VCF-style: chr4-140255371-G-A.
Other names: c.98G>A, p.Cys33Tyr (NM_001410842.1, NM_025085.2); short protein forms C33Y.
Identifiers: ClinVar variation 2662891 (VCV002662891.1), dbSNP rs2530351610, ClinGen allele CA358257188.

ClinVar aggregate classification (germline): Uncertain significance (1 of 4 stars; one submission).

Submission:

GeneDx
Classification: Uncertain significance. Last evaluated: 2023-05-11. Review status: criteria provided, single submitter. Criteria: GeneDx Variant Classification Process June 2021. Collection method: clinical testing. Allele origin: germline. Affected: yes.
Comment: Not observed at significant frequency in large population cohorts (gnomAD); In silico analysis supports that this missense variant has a deleterious effect on protein structure/function; Has not been previously published as pathogenic or benign to our knowledge